The following is an entry in ClinVar:

NM_001267550.2(TTN):c.66941_66944dup (p.Phe22315fs)

Genes: TTN-AS1 (TTN antisense RNA 1; plus strand), TTN (titin; minus strand). Cytogenetic location: 2q31.2.
Variant type: Duplication.
Coding change: c.66941_66944dup on transcript NM_001267550.2 (MANE Select); coding-DNA positions 66941 to 66944, 4 bases duplicated (ACTT; older notation c.66941_66944dupACTT).
Protein change: p.Phe22315fs; shifts the reading frame from phenylalanine 22315.
Molecular consequence: frameshift variant.
Genome position (GRCh38, 1-based): chr2:178,580,435-178,580,438, AAGT duplicated on the plus strand (ACTT on the coding strand, the reverse complement: TTN is on the minus strand). VCF-style (leftmost placement, unchanged base first): chr2-178580434-A-AAAGT. GRCh37 (hg19) VCF-style: chr2-179445161-A-AAAGT.
Other names: c.62018_62021dup, p.Phe20674fs (NM_001256850.1); c.39746_39749dup, p.Phe13250fs (NM_003319.4); c.59237_59240dup, p.Phe19747fs (NM_133378.4); c.40121_40124dup, p.Phe13375fs (NM_133432.3); c.40322_40325dup, p.Phe13442fs (NM_133437.4); short protein forms F13250fs, F13442fs, F22315fs, F19747fs, F13375fs, F20674fs.
Identifiers: ClinVar variation 962283 (VCV000962283.10), dbSNP rs2047435382, ClinGen allele CA1139657444.

ClinVar aggregate classification (germline): Likely pathogenic (1 of 4 stars; one submission).

Conditions:
Dilated cardiomyopathy 1G (CMD1G). Identifiers: Orphanet 154, MedGen C1858763, MONDO:0011400, OMIM 604145.
Autosomal recessive limb-girdle muscular dystrophy type 2J (LGMDR10). Also called: Limb-girdle muscular dystrophy, type 2J; MUSCULAR DYSTROPHY, LIMB-GIRDLE, AUTOSOMAL RECESSIVE 10. Identifiers: Orphanet 140922, MedGen C1837342, MONDO:0012127, OMIM 608807.

Submission:

Labcorp Genetics (formerly Invitae), Labcorp
Classification: Likely pathogenic for Dilated cardiomyopathy 1G; Autosomal recessive limb-girdle muscular dystrophy type 2J. Last evaluated: 2019-10-31. Review status: criteria provided, single submitter. Criteria: Invitae Variant Classification Sherloc (09022015). Collection method: clinical testing. Allele origin: germline.
Comment: This variant has not been reported in the literature in individuals with TTN-related conditions. In summary, the currently available evidence indicates that the variant is pathogenic, but additional data are needed to prove that conclusively. Therefore, this variant has been classified as Likely Pathogenic. This variant is located in the A band of TTN (PMID: 25589632). Truncating variants in this region are significantly overrepresented in patients affected with dilated cardiomyopathy (PMID: 25589632). Truncating variants in this region have also been reported in individuals affected with autosomal recessive centronuclear myopathy (PMID: 23975875). This sequence change results in a premature translational stop signal in the TTN gene (p.Phe22315Leufs*3). While this is not anticipated to result in nonsense mediated decay, it is expected to create a truncated TTN protein. This variant is not present in population databases (ExAC no frequency).

Literature cited by the submitters: PubMed 25589632; PubMed 23975875.